The following is an entry in ClinVar:

NM_002691.4(POLD1):c.1817T>C (p.Leu606Pro)

Gene: POLD1 (DNA polymerase delta 1, catalytic subunit; plus strand). Cytogenetic location: 19q13.33.
Variant type: single nucleotide variant.
Coding change: c.1817T>C on transcript NM_002691.4 (MANE Select); coding-DNA position 1817, T replaced by C.
Protein change: p.Leu606Pro; replaces leucine 606 with proline.
Molecular consequence: missense variant. On other transcripts: non-coding transcript variant (1).
Genome position (GRCh38, 1-based): chr19:50,408,826, T>C. VCF-style: chr19-50408826-T-C. GRCh37 (hg19) VCF-style: chr19-50912083-T-C.
Other names: c.1817T>C, p.Leu606Pro (NM_001256849.1); c.1895T>C, p.Leu632Pro (NM_001308632.1); short protein forms L632P, L606P.
Identifiers: ClinVar variation 3655393 (VCV003655393.2).

ClinVar aggregate classification (germline): Uncertain significance (1 of 4 stars; one submission).

Conditions:
POLD1-related polyposis and colorectal cancer syndrome (CRCS10). Also called: Colorectal cancer 10; COLORECTAL CANCER, SUSCEPTIBILITY TO, ON CHROMOSOME 19q; Colorectal cancer, susceptibility to, 10. Identifiers: Orphanet 220460, MedGen C2675481, MONDO:0012953, OMIM 612591.

Submission:

Labcorp Genetics (formerly Invitae), Labcorp
Classification: Uncertain significance for POLD1-related polyposis and colorectal cancer syndrome. Last evaluated: 2024-06-04. Review status: criteria provided, single submitter. Criteria: Invitae Variant Classification Sherloc (09022015). Collection method: clinical testing. Allele origin: germline.
Comment: This sequence change replaces leucine, which is neutral and non-polar, with proline, which is neutral and non-polar, at codon 606 of the POLD1 protein (p.Leu606Pro). This variant is not present in population databases (gnomAD no frequency). This variant has not been reported in the literature in individuals affected with POLD1-related conditions. Advanced modeling of protein sequence and biophysical properties (such as structural, functional, and spatial information, amino acid conservation, physicochemical variation, residue mobility, and thermodynamic stability) performed at Invitae indicates that this missense variant is expected to disrupt POLD1 protein function with a positive predictive value of 80%. In summary, the available evidence is currently insufficient to determine the role of this variant in disease. Therefore, it has been classified as a Variant of Uncertain Significance.